The following is an entry in ClinVar:

NM_020719.3(PRR12):c.1866G>A (p.Ser622=)

Gene: PRR12 (proline rich 12; plus strand). Cytogenetic location: 19q13.33.
Variant type: single nucleotide variant.
Coding change: c.1866G>A on transcript NM_020719.3 (MANE Select); coding-DNA position 1866, G replaced by A.
Protein change: p.Ser622=; no amino-acid change (serine 622 retained).
Molecular consequence: synonymous variant.
Genome position (GRCh38, 1-based): chr19:49,596,201, G>A. VCF-style: chr19-49596201-G-A. GRCh37 (hg19) VCF-style: chr19-50099458-G-A.
Identifiers: ClinVar variation 4874836 (VCV004874836.2).

ClinVar aggregate classification (germline): Likely benign (1 of 4 stars; one submission).

gnomAD v4.1: 13 of 1,610,910 alleles (0.00081%); highest among the groups gnomAD compares: East Asian, 0.0067%; no homozygotes.

Submission:

CeGaT Center for Human Genetics Tuebingen
Classification: Likely benign. Last evaluated: 2026-05-01. Review status: criteria provided, single submitter. Criteria: CeGaT Center For Human Genetics Tuebingen Variant Classification Criteria Version 2. Collection method: clinical testing. Allele origin: germline. Affected: yes. Observed: 2 variant alleles.
Comment: PRR12: BP4, BP7